The following is an entry in ClinVar:

NM_014669.5(NUP93):c.1162C>T (p.Arg388Trp)

Gene: NUP93 (nucleoporin 93; plus strand). Cytogenetic location: 16q13.
Variant type: single nucleotide variant.
Coding change: c.1162C>T on transcript NM_014669.5 (MANE Select); coding-DNA position 1162, C replaced by T.
Protein change: p.Arg388Trp; replaces arginine 388 with tryptophan.
Molecular consequence: missense variant.
Genome position (GRCh38, 1-based): chr16:56,831,918, C>T. VCF-style: chr16-56831918-C-T. GRCh37 (hg19) VCF-style: chr16-56865830-C-T.
Other names: c.793C>T, p.Arg265Trp (NM_001242795.2, NM_001242796.2); short protein forms R388W, R265W.
Identifiers: ClinVar variation 224968 (VCV000224968.58), dbSNP rs145146218, ClinGen allele CA357850.
Genomic context (GRCh38, chr16:56,831,918, plus strand): 5'-GAAAACAAGCTCCGGCTGCATTACCGTAGGGCCCTCAGGAACAATACAGATCCCTACAAG[C>T]GGGCCGTGTACTGTATCATTGGCAGATGTGACGTCACCGACAACCAGAGTGAAGTGGCGG-3'
Protein context (NP_055484.3, residues 378-398): ALRNNTDPYK[Arg388Trp]AVYCIIGRCD

ClinVar aggregate classification (germline): Conflicting classifications of pathogenicity. Review status: criteria provided, conflicting classifications (1 of 4 stars). 10 submissions from 10 submitters: Likely pathogenic (2); Uncertain significance (6). 2 of the submissions do not count toward it. Last evaluated 2025-12-08.

Conditions:
NUP93-related disorder. Also called: NUP93-related condition.
Nephrotic syndrome. Identifiers: MedGen C0027726, MONDO:0005377, HP:0000100.
Nephrotic syndrome, type 12 (NPHS12). Identifiers: Orphanet 656, MedGen C4225166, MONDO:0014817, OMIM 616892.

Allele frequency attached by ClinVar (database versions not stated): TOPMed 0.00049; gnomAD 0.00070 and 0.00072; gnomAD exomes 0.00072; ESP Exome Variant Server 0.00077; ExAC 0.00084; 1000 Genomes Project 0.00100; 1000 Genomes Project 30x 0.00109.
gnomAD v4.1: 936 of 1,614,068 alleles (0.058%); highest among the groups gnomAD compares: South Asian, 0.096%; 3 homozygotes.

Submissions (16):

Labcorp Genetics (formerly Invitae), Labcorp
Classification: Uncertain significance. Last evaluated: 2025-12-08. Review status: criteria provided, single submitter. Criteria: Invitae Variant Classification Sherloc (09022015). Collection method: clinical testing. Allele origin: germline.
Comment: This sequence change replaces arginine, which is basic and polar, with tryptophan, which is neutral and slightly polar, at codon 388 of the NUP93 protein (p.Arg388Trp). This variant is present in population databases (rs145146218, gnomAD 0.1%), including at least one homozygous and/or hemizygous individual. This missense change has been observed in individual(s) with nephrotic syndrome (PMID: 26878725). ClinVar contains an entry for this variant (Variation ID: 224968). Invitae Evidence Modeling of protein sequence and biophysical properties (such as structural, functional, and spatial information, amino acid conservation, physicochemical variation, residue mobility, and thermodynamic stability) indicates that this missense variant is expected to disrupt NUP93 protein function with a positive predictive value of 80%. Experimental studies have shown that this missense change affects NUP93 function (PMID: 26878725). In summary, the available evidence is currently insufficient to determine the role of this variant in disease. Therefore, it has been classified as a Variant of Uncertain Significance.

First Genomix Gene Laboratory, Genetic Diagnostics Department
Classification: Likely pathogenic for Nephrotic syndrome, type 12. Last evaluated: 2025-04-30. Review status: criteria provided, single submitter. Criteria: ACMG Guidelines, 2015. Collection method: clinical testing. Allele origin: germline. Inheritance: Autosomal recessive inheritance. Affected: no. Observed: 1 variant allele.

PreventionGenetics, part of Exact Sciences
Classification: Uncertain significance for NUP93-related condition. Last evaluated: 2025-04-18. Review status: criteria provided, single submitter. Criteria: ACMG Guidelines, 2015. Collection method: clinical testing. Allele origin: germline.
Comment: The NUP93 c.1162C>T variant is predicted to result in the amino acid substitution p.Arg388Trp. This variant has been reported in the compound heterozygous state in a patient with steroid-resistant nephrotic syndrome, and segregated with disease in this family (Braun et al. 2016. PubMed ID: 26878725). In vitro functional studies indicated that this variant caused disrupted assembly of nuclear pore complex (Braun et al. 2016. PubMed ID: 26878725). However, this variant is reported in 0.13% of alleles in individuals of South Asian descent in gnomAD, including one homozygous individual. In ClinVar, this variant has conflicting interpretations of pathogenicity ranging from uncertain to likely benign. At this time, the clinical significance of this variant is uncertain due to the absence of conclusive functional and genetic evidence.

GeneDx
Classification: Uncertain significance. Last evaluated: 2025-04-08. Review status: criteria provided, single submitter. Criteria: GeneDx Variant Classification Process June 2021. Collection method: clinical testing. Allele origin: germline. Affected: yes.
Comment: Published functional studies demonstrated that R388W mutant failed to restore nuclear envelope and NPC assembly when added back to Xenopus laevis egg extracts lacking NUP93 protein (PMID: 26878725); In silico analysis supports that this missense variant has a deleterious effect on protein structure/function; This variant is associated with the following publications: (PMID: 30741391, 29869118, 34426522, 26878725, 37692026, 37873737, 35026467, 38547852, 37762751, 38383349, 39564605)

Blueprint Genetics
Classification: Uncertain significance. Last evaluated: 2024-10-30. Review status: criteria provided, single submitter. Criteria: ACMG Guidelines, 2015. Collection method: clinical testing. Allele origin: germline.

Pittsburgh Clinical Genomics Laboratory, University of Pittsburgh Medical Center
Classification: Uncertain significance for Nephrotic syndrome, type 12. Last evaluated: 2023-05-24. Review status: criteria provided, single submitter. Criteria: ACMG Guidelines, 2015. Collection method: clinical testing. Allele origin: germline. Inheritance: Autosomal recessive inheritance. Affected: yes.
Comment: This sequence variant is a single nucleotide substitution (C>T) at coding position 1162 in the NUP93 gene which results in an arginine to tryptophan amino acid change at residue 388 in the NUP93 protein. This is a previously reported variant (ClinVar) which has been observed in compound heterozygous state with a known pathogenic NUP93 variant in an individual with steroid-resistant nephrotic syndrome (PMID: 26878725). This variant is present in 221/282730 alleles (0.08%) in the gnomAD population database, including 1 homozygote. Multiple bioinformatic tools queried predict that this amino acid change would be damaging, and arginine is highly conserved at this protein position in vertebrates. In vitro functiol studies indicated that the variant protein was not able to rescue nuclear pore complex formation detect in Nup93-depleted Xenopus laevis egg extract (PMID: 26878725); additiolly, expression of the variant protein in HEK293 NUP93-shR treated cells was not able restore SMAD4 sigling. Despite these functiol studies, the precise physiological consequence of this variant is unclear. At this time, there is insufficient evidence to determine if this variant is pathogenic or benign. Therefore, we consider it to be a variant of uncertain significance. ACMG Criteria: PM3, PP3, PS3

CeGaT Center for Human Genetics Tuebingen
Classification: Likely pathogenic. Last evaluated: 2021-04-01. Review status: criteria provided, single submitter. Criteria: CeGaT Center For Human Genetics Tuebingen Variant Classification Criteria Version 2. Collection method: clinical testing. Allele origin: germline. Affected: yes. Observed: 1 variant allele.

Broad Center for Mendelian Genomics, Broad Institute of MIT and Harvard
Classification: Uncertain significance for Nephrotic syndrome, type 12. Last evaluated: 2018-12-03. Review status: criteria provided, single submitter. Criteria: ACMG Guidelines, 2015. Collection method: research. Allele origin: germline. Inheritance: Autosomal recessive inheritance. Affected: yes.
Comment: This variant was seen in 0.08230% (228/277052) of chromosomes, including one individual in the homozygous state, by the Genome Aggregation Database (gnomAD; dbSNP rs145146218). Although this variant has been seen in the general population, its frequency is not high enough to rule out a pathogenic role. Computational prediction tools and conservation analyses do not provide strong support for or against an impact to the protein. This variant has been reported pathogenic by OMIM in ClinVar (Variation ID: 224968). In vitro functional studies with Xenopus laevis egg extracts and other assays provide some evidence that the p.Arg388Trp variant may impact nuclear pore complex formation and SMAD protein signalling (PMID: 26878725). However, these types of assays may not accurately represent biological function. In summary, the clinical significance of the p.Arg388Trp variant is uncertain. ACMG/AMP Criteria applied: PM2, PS3_Moderate (Richards 2015).

OMIM
Classification: Pathogenic for NEPHROTIC SYNDROME, TYPE 12. Last evaluated: 2020-11-20. Review status: no assertion criteria provided. Collection method: literature only. Allele origin: germline. Not counted in ClinVar's aggregate classification.

Sydney Genome Diagnostics, Children's Hospital Westmead
Classification: Likely pathogenic for Nephrotic syndrome. Last evaluated: 2019-05-08. Review status: no assertion criteria provided. Collection method: clinical testing. Allele origin: unknown. Affected: yes. Observed: 1 variant allele, 1 heterozygote. Not counted in ClinVar's aggregate classification.
Comment: This variant has been reported as compound heterozygous with a second pathogenic NUP93 variant in an individual with steroid-resistant nephrotic sydrome (Braun et al 2016 Nat Genet. 48: 457-465). In vitro functional studies is supportive of a damaging effect from this amino acid change (Braun et al 2016). This variant has been reported in the gnomAD browser with a very low allele frequency of 0.078% (221 out of 282,730 alleles including 1 homozygote). In silico analysis of pathogenicity (through Alamut Visual v2.8.1) using PolyPhen2, SIFT and MutationTaster all suggest that this variant is likely to be pathogenic. This variant is considered to be likely pathogenic according to the ACMG guidelines. (Evidence used: PS3, PM2, PM3, PP3)

Dr. Peter K. Rogan Lab, Western University
No classification provided (evidence only). Condition: Acute myeloid leukemia. Review status: no classification provided. Collection method: in vitro. Allele origin: not applicable. Functional consequence: retained intron. Not counted in ClinVar's aggregate classification.

Dr. Peter K. Rogan Lab, Western University
No classification provided (evidence only). Condition: Cervical cancer. Review status: no classification provided. Collection method: in vitro. Allele origin: not applicable. Functional consequence: retained intron. Not counted in ClinVar's aggregate classification.

Dr. Peter K. Rogan Lab, Western University
No classification provided (evidence only). Condition: Sarcoma. Review status: no classification provided. Collection method: in vitro. Allele origin: not applicable. Functional consequence: retained intron. Not counted in ClinVar's aggregate classification.

Dr. Peter K. Rogan Lab, Western University
No classification provided (evidence only). Condition: Ovarian serous cystadenocarcinoma. Review status: no classification provided. Collection method: in vitro. Allele origin: not applicable. Functional consequence: retained intron. Not counted in ClinVar's aggregate classification.

Dr. Peter K. Rogan Lab, Western University
No classification provided (evidence only). Condition: Gastric cancer. Review status: no classification provided. Collection method: in vitro. Allele origin: not applicable. Functional consequence: retained intron. Not counted in ClinVar's aggregate classification.

Dr. Peter K. Rogan Lab, Western University
No classification provided (evidence only). Condition: Uterine carcinosarcoma. Review status: no classification provided. Collection method: in vitro. Allele origin: not applicable. Functional consequence: retained intron. Not counted in ClinVar's aggregate classification.

Literature cited by the submitters: PubMed 26878725 (cited by 4 submitters).